The following is an entry in ClinVar:

NC_000011.9:g.(?_108172365)_(108175589_?)del

Gene: ATM (ATM serine/threonine kinase; plus strand). Cytogenetic location: 11q22.3.
Variant type: Deletion.
Identifiers: ClinVar variation 1460291 (VCV001460291.4).

ClinVar aggregate classification (germline): Pathogenic (1 of 4 stars; one submission).

Conditions:
Ataxia-telangiectasia syndrome (AT). Also called: Ataxia-telangiectasia, complementation group D; AT, COMPLEMENTATION GROUP C; Cerebello-oculocutaneous telangiectasia; Immunodeficiency with ataxia telangiectasia; Ataxia-telangiectasia, complementation group E; LOUIS-BAR SYNDROME. Identifiers: Orphanet 100, MedGen C0004135, MONDO:0008840, OMIM 208900.

Submission:

Labcorp Genetics (formerly Invitae), Labcorp
Classification: Pathogenic for Ataxia-telangiectasia syndrome. Last evaluated: 2021-12-15. Review status: criteria provided, single submitter. Criteria: Invitae Variant Classification Sherloc (09022015). Collection method: clinical testing. Allele origin: germline.
Comment: This variant is a gross deletion of the genomic region encompassing exon(s) 35-37 of the ATM gene. This deletion is out-of-frame, and is expected to create a premature termination codon and result in an absent or disrupted protein product. Loss-of-function variants in ATM are known to be pathogenic (PMID: 23807571, 25614872). This variant has not been reported in the literature in individuals affected with ATM-related conditions. For these reasons, this variant has been classified as Pathogenic.

Literature cited by the submitters: PubMed 23807571; PubMed 25614872.